The following is an entry in ClinVar:

NM_000057.4(BLM):c.124_127del (p.Ser42fs)

Gene: BLM (BLM RecQ like helicase; plus strand). Cytogenetic location: 15q26.1.
Variant type: Deletion.
Coding change: c.124_127del on transcript NM_000057.4 (MANE Select); coding-DNA positions 124 to 127, 4 bases deleted (TCTT; older notation c.124_127delTCTT).
Protein change: p.Ser42fs; shifts the reading frame from serine 42.
Molecular consequence: frameshift variant. On other transcripts: 5 prime UTR variant (1).
Genome position (GRCh38, 1-based): chr15:90,749,392-90,749,395, TCTT deleted. VCF-style (leftmost placement, unchanged base first): chr15-90749391-ATCTT-A. GRCh37 (hg19) VCF-style: chr15-91292621-ATCTT-A.
Other names: c.124_127del, p.Ser42fs (NM_001287246.2, NM_001287247.2); c.-1168_-1165del (NM_001287248.2); short protein forms S42fs.
Identifiers: ClinVar variation 2863766 (VCV002863766.3), dbSNP rs2505390165, ClinGen allele CA2739269753.
Genomic context (GRCh38, chr15:90,749,391, plus strand): 5'-GGATCCATCTAATCTAGTTTTTCCATTATTTTTCAGAGGTTTCACTTTTAAAAAGAAAAC[ATCTT>A]CAGATAACAATGTATCTGTAACTAATGTGTCAGTAGCAAAAACACCTGTATTAAGAAATA-3'

ClinVar aggregate classification (germline): Pathogenic (1 of 4 stars; one submission).

Conditions:
Bloom syndrome (BLM). Also called: Bloom-Torre-Machacek syndrome. Identifiers: Orphanet 125, MedGen C0005859, MONDO:0008876, OMIM 210900.

Submission:

Labcorp Genetics (formerly Invitae), Labcorp
Classification: Pathogenic for Bloom syndrome. Last evaluated: 2023-05-23. Review status: criteria provided, single submitter. Criteria: Invitae Variant Classification Sherloc (09022015). Collection method: clinical testing. Allele origin: germline.
Comment: For these reasons, this variant has been classified as Pathogenic. This variant has not been reported in the literature in individuals affected with BLM-related conditions. This variant is not present in population databases (gnomAD no frequency). This sequence change creates a premature translational stop signal (p.Ser42Glnfs*7) in the BLM gene. It is expected to result in an absent or disrupted protein product. Loss-of-function variants in BLM are known to be pathogenic (PMID: 17407155).

Literature cited by the submitters: PubMed 17407155.